The following is an entry in ClinVar:

NM_001267550.2(TTN):c.84202_84205del (p.Ser28068fs)

Genes: TTN-AS1 (TTN antisense RNA 1; plus strand), TTN (titin; minus strand). Cytogenetic location: 2q31.2.
Variant type: Deletion.
Coding change: c.84202_84205del on transcript NM_001267550.2 (MANE Select); coding-DNA positions 84202 to 84205, 4 bases deleted (AGTT; older notation c.84202_84205delAGTT).
Protein change: p.Ser28068fs; shifts the reading frame from serine 28068.
Molecular consequence: frameshift variant.
Genome position (GRCh38, 1-based): chr2:178,561,927-178,561,930, AACT deleted on the plus strand (AGTT on the coding strand, the reverse complement: TTN is on the minus strand); deleting any 4 consecutive bases within chr2:178,561,927-178,561,933 gives the same sequence; the c. name uses the placement nearest the transcript's 3' end. VCF-style (leftmost placement, unchanged base first): chr2-178561926-CAACT-C. GRCh37 (hg19) VCF-style: chr2-179426653-CAACT-C.
Other names: c.79279_79282del, p.Ser26427fs (NM_001256850.1); c.57007_57010del, p.Ser19003fs (NM_003319.4); c.76498_76501del, p.Ser25500fs (NM_133378.4); c.57382_57385del, p.Ser19128fs (NM_133432.3); c.57583_57586del, p.Ser19195fs (NM_133437.4); short protein forms S19003fs, S19195fs, S25500fs, S19128fs, S26427fs, S28068fs.
Identifiers: ClinVar variation 2953364 (VCV002953364.3), dbSNP rs2469710162, ClinGen allele CA2740095908.

ClinVar aggregate classification (germline): Likely pathogenic (1 of 4 stars; one submission).

Conditions:
Autosomal recessive limb-girdle muscular dystrophy type 2J (LGMDR10). Also called: Limb-girdle muscular dystrophy, type 2J; MUSCULAR DYSTROPHY, LIMB-GIRDLE, AUTOSOMAL RECESSIVE 10. Identifiers: Orphanet 140922, MedGen C1837342, MONDO:0012127, OMIM 608807.
Dilated cardiomyopathy 1G (CMD1G). Identifiers: Orphanet 154, MedGen C1858763, MONDO:0011400, OMIM 604145.

Submission:

Labcorp Genetics (formerly Invitae), Labcorp
Classification: Likely pathogenic for Dilated cardiomyopathy 1G; Autosomal recessive limb-girdle muscular dystrophy type 2J. Last evaluated: 2024-11-02. Review status: criteria provided, single submitter. Criteria: Invitae Variant Classification Sherloc (09022015). Collection method: clinical testing. Allele origin: germline.
Comment: This sequence change creates a premature translational stop signal (p.Ser28068Valfs*4) in the TTN gene. While this is not anticipated to result in nonsense mediated decay, it is expected to create a truncated TTN protein. This variant is not present in population databases (gnomAD no frequency). This variant has not been reported in the literature in individuals affected with TTN-related conditions. ClinVar contains an entry for this variant (Variation ID: 2953364). This variant is located in the A band of TTN (PMID: 25589632). Truncating variants in this region are significantly overrepresented in patients affected with dilated cardiomyopathy (PMID: 25589632). Truncating variants in this region have also been reported in individuals affected with autosomal recessive centronuclear myopathy (PMID: 23975875). In summary, the currently available evidence indicates that the variant is pathogenic, but additional data are needed to prove that conclusively. Therefore, this variant has been classified as Likely Pathogenic.

Literature cited by the submitters: PubMed 25589632; PubMed 23975875.